The following is an entry in ClinVar:

ClinVar aggregate classification (germline): Likely benign (1 of 4 stars; one submission).

Conditions:
MRAS-related disorder. Also called: MRAS-related condition.

Submission:

PreventionGenetics, part of Exact Sciences
Classification: Likely benign for MRAS-related condition. Last evaluated: 2025-01-09. Review status: criteria provided, single submitter. Criteria: ACMG Guidelines, 2015. Collection method: clinical testing. Allele origin: germline.
Comment: This variant is classified as likely benign based on ACMG/AMP sequence variant interpretation guidelines (Richards et al. 2015 PMID: 25741868, with internal and published modifications).

NM_001085049.3(MRAS):c.372G>A (p.Val124=)

Gene: MRAS (muscle RAS oncogene homolog; plus strand). Cytogenetic location: 3q22.3.
Variant type: single nucleotide variant.
Coding change: c.372G>A on transcript NM_001085049.3 (MANE Select); coding-DNA position 372, G replaced by A.
Protein change: p.Val124=; no amino-acid change (valine 124 retained).
Molecular consequence: synonymous variant.
Genome position (GRCh38, 1-based): chr3:138,398,493, G>A. VCF-style: chr3-138398493-G-A. GRCh37 (hg19) VCF-style: chr3-138117335-G-A.
Other names: c.372G>A, p.Val124= (NM_001252090.2, NM_012219.4); c.144G>A, p.Val48= (NM_001252091.1, NM_001252092.2, NM_001252093.2).
Identifiers: ClinVar variation 4989977 (VCV004989977.1).